The following is an entry in ClinVar:

NM_001286445.3(RIPOR2):c.3043+9T>A

Gene: RIPOR2 (RHO family interacting cell polarization regulator 2; minus strand). Cytogenetic location: 6p22.3.
Variant type: single nucleotide variant.
Coding change: c.3043+9T>A on transcript NM_001286445.3 (MANE Select); 9 bases into the intron after coding-DNA position 3043, T replaced by A.
Molecular consequence: intron variant.
Genome position (GRCh38, 1-based): chr6:24,809,708, A>T on the plus strand (T>A on the coding strand, the complement: RIPOR2 is on the minus strand). VCF-style: chr6-24809708-A-T. GRCh37 (hg19) VCF-style: chr6-24809936-A-T.
Other names: p.?; c.2956+9T>A (NM_001346031.2, NM_001346032.2); c.3106+9T>A (NM_014722.5).
Identifiers: ClinVar variation 517553 (VCV000517553.16), dbSNP rs9379693, ClinGen allele CA3659049.
Genomic context (GRCh38, chr6:24,809,708, plus strand): 5'-CTAAATGGGAACATCCGTTAGAGAGTGCCAGAAGCAAACAATCATGTAAACAACAACAAT[A>T]AAACTCACCCAGAGACAAGAGGGTTTCTGAGGCCACATTTCTGATTTCTTCAGTATCAGA-3'

ClinVar aggregate classification (germline): Benign. Review status: criteria provided, multiple submitters, no conflicts (2 of 4 stars). 5 submissions from 5 submitters: Benign (5). Last evaluated 2026-02-04.

Conditions:
Autosomal recessive nonsyndromic hearing loss 104. Also called: Deafness, autosomal recessive 104. Identifiers: Orphanet 90636, MedGen C4225298, MONDO:0014675, OMIM 616515.

Allele frequency attached by ClinVar (database versions not stated): ESP Exome Variant Server 0.12133; TOPMed 0.12387; gnomAD 0.12459 and 0.12477; ExAC 0.13135; gnomAD exomes 0.14013 and 0.14206; 1000 Genomes Project 0.09904; 1000 Genomes Project 30x 0.10025.
gnomAD v4.1: 212,661 of 1,517,870 alleles (14%); highest among the groups gnomAD compares: Admixed American, 15%; 15,470 homozygotes.

Submissions (5):

Labcorp Genetics (formerly Invitae), Labcorp
Classification: Benign. Last evaluated: 2026-02-04. Review status: criteria provided, single submitter. Criteria: Invitae Variant Classification Sherloc (09022015). Collection method: clinical testing. Allele origin: germline.

Genome-Nilou Lab
Classification: Benign for Autosomal recessive nonsyndromic hearing loss 104. Last evaluated: 2021-08-10. Review status: criteria provided, single submitter. Criteria: ACMG Guidelines, 2015. Collection method: clinical testing. Allele origin: germline. Affected: no.

Mayo Clinic Laboratories, Mayo Clinic
Classification: Benign. Last evaluated: 2021-02-19. Review status: criteria provided, single submitter. Criteria: ACMG Guidelines, 2015. Collection method: clinical testing. Allele origin: germline. Observed: 31 variant alleles.

Laboratory for Molecular Medicine, Mass General Brigham Personalized Medicine
Classification: Benign. Last evaluated: 2017-08-23. Review status: criteria provided, single submitter. Criteria: LMM Criteria. Collection method: clinical testing. Allele origin: germline. Observed: 16 variant alleles.
Comment: c.3106+9T>A in intron 22 of FAM65B: This variant is not expected to have clinica l significance because it does not alter an amino acid residue, is not located w ithin the splice consensus sequence, and has been identified in 15.70% (255/1624 ) of Finnish chromosomes by the Exome Aggregation Consortium (ExAC.; dbSNP rs9379693).

GeneDx
Classification: Benign. Last evaluated: 2017-05-09. Review status: criteria provided, single submitter. Criteria: GeneDx Variant Classification (06012015). Collection method: clinical testing. Allele origin: germline. Affected: yes.
Comment: This variant is considered likely benign or benign based on one or more of the following criteria: it is a conservative change, it occurs at a poorly conserved position in the protein, it is predicted to be benign by multiple in silico algorithms, and/or has population frequency not consistent with disease.